The following is an entry in ClinVar:

ClinVar aggregate classification (germline): Pathogenic (0 of 4 stars; one submission).

Conditions:
Cholestanol storage disease (CTX). Also called: CEREBRAL CHOLESTERINOSIS; Cerebrotendinous Xanthomatosis; CTX: Cerebrotendinous xanthomatosis. Identifiers: Orphanet 909, MedGen C0238052, MONDO:0008948, OMIM 213700.

Allele frequency attached by ClinVar (database versions not stated): gnomAD exomes below 0.00001.
gnomAD v4.1: 1 of 1,614,202 alleles (0.000062%); highest among the groups gnomAD compares: South Asian, 0.0011%; no homozygotes.

Submission:

GeneReviews
Classification: Pathogenic for Cerebrotendinous Xanthomatosis. Last evaluated: 2013-08-01. Review status: no assertion criteria provided. Collection method: curation. Allele origin: unknown.
ClinVar note: Converted during submission from pathologic to Pathogenic.

NM_000784.4(CYP27A1):c.1402C>T (p.Pro468Ser)

Gene: CYP27A1 (cytochrome P450 family 27 subfamily A member 1; plus strand). Cytogenetic location: 2q35.
Variant type: single nucleotide variant.
Coding change: c.1402C>T on transcript NM_000784.4 (MANE Select); coding-DNA position 1402, C replaced by T.
Protein change: p.Pro468Ser; replaces proline 468 with serine.
Molecular consequence: missense variant.
Genome position (GRCh38, 1-based): chr2:218,814,683, C>T. VCF-style: chr2-218814683-C-T. GRCh37 (hg19) VCF-style: chr2-219679406-C-T.
Other names: c.1402C>T; short protein forms P468S.
Identifiers: ClinVar variation 65850 (VCV000065850.3), dbSNP rs587778787, ClinGen allele CA345179.
Genomic context (GRCh38, chr2:218,814,683, plus strand): 5'-CGCTGGCTGAGAAACAGCCAGCCTGCTACCCCCAGGATCCAGCACCCATTTGGCTCTGTG[C>T]CCTTTGGCTATGGGGTCCGGGCCTGCCTGGGCCGCAGGATTGCAGAGCTGGAGATGCAGC-3'
Protein context (NP_000775.1, residues 458-478): PRIQHPFGSV[Pro468Ser]FGYGVRACLG